The following is an entry in ClinVar:

ClinVar aggregate classification (germline): Uncertain significance. Review status: criteria provided, multiple submitters, no conflicts (2 of 4 stars). 2 submissions from 2 submitters: Uncertain significance (2). Last evaluated 2025-05-21.

Conditions:
Hereditary cancer-predisposing syndrome. Also called: Neoplastic Syndromes, Hereditary; Tumor predisposition; Hereditary Cancer Syndrome; Hereditary neoplastic syndrome. Identifiers: Orphanet 140162, MedGen C0027672, MeSH D009386, MONDO:0015356.
Rhabdoid tumor predisposition syndrome 2 (RTPS2). Identifiers: Orphanet 231108, Orphanet 69077, MedGen C2750074, MONDO:0013224, OMIM 613325.

Submissions (2):

Institute for Genomic Medicine (IGM) Clinical Laboratory, Nationwide Children's Hospital
Classification: Uncertain significance for Rhabdoid tumor predisposition syndrome 2. Last evaluated: 2025-05-21. Review status: criteria provided, single submitter. Criteria: ACMG Guidelines, 2015. Collection method: clinical testing. Allele origin: germline.
Comment: This variant is absent from or present at an exceedingly low frequency in gnomAD, a large-scale control population database (ACMG/AMP: PM2). This variant occurs in a gene with a low rate of benign missense variation, in which missense alterations are a common mechanism of disease (ACMG/AMP: PP2). This variant is predicted to be tolerated by multiple in silico tools (ACMG/AMP: BP4).

Ambry Genetics
Classification: Uncertain significance for Hereditary cancer-predisposing syndrome. Last evaluated: 2021-03-11. Review status: criteria provided, single submitter. Criteria: Ambry Variant Classification Scheme 2023. Collection method: clinical testing. Allele origin: germline.
Comment: The p.Q418E variant (also known as c.1252C>G), located in coding exon 7 of the SMARCA4 gene, results from a C to G substitution at nucleotide position 1252. The glutamine at codon 418 is replaced by glutamic acid, an amino acid with highly similar properties. This amino acid position is highly conserved in available vertebrate species. In addition, this alteration is predicted to be tolerated by in silico analysis. Missense and in-frame variants in SMARCA4 are known to cause neurodevelopmental disorders; however, such associations with rhabdoid tumor predisposition syndrome including small cell carcinoma of the ovary-hypercalcemic type (SCCOHT) are exceedingly rare (Kosho T et al. Am J Med Genet C Semin Med Genet. 2014 Sep;166C(3):262-75; Jelinic P et al. Nat Genet. 2014 May;46(5):424-6). Based on the supporting evidence, the association of this alteration with Coffin-Siris syndrome is unknown; however, the association of this alteration with rhabdoid tumor predisposition syndrome is unlikely.

NM_003072.5(SMARCA4):c.1252C>G (p.Gln418Glu)

Gene: SMARCA4 (SWI/SNF related BAF chromatin remodeling complex subunit ATPase 4; plus strand). Cytogenetic location: 19p13.2.
Variant type: single nucleotide variant.
Coding change: c.1252C>G on transcript NM_003072.5 (MANE Select); coding-DNA position 1252, C replaced by G.
Protein change: p.Gln418Glu; replaces glutamine 418 with glutamic acid.
Molecular consequence: missense variant. On other transcripts: non-coding transcript variant (1).
Genome position (GRCh38, 1-based): chr19:10,991,156, C>G. VCF-style: chr19-10991156-C-G. GRCh37 (hg19) VCF-style: chr19-11101832-C-G.
Other names: c.1252C>G, p.Gln418Glu (NM_001128844.3, NM_001128845.2, NM_001128846.2 and 6 more transcripts); short protein forms Q418E.
Identifiers: ClinVar variation 1761022 (VCV001761022.3), dbSNP rs2145877929, ClinGen allele CA404060480.